The following is an entry in ClinVar:

ClinVar aggregate classification (germline): Likely pathogenic (1 of 4 stars; one submission).

gnomAD v4.1: 4 of 1,613,358 alleles (0.00025%); highest among the groups gnomAD compares: Admixed American, 0.0017%; no homozygotes.

Submission:

Labcorp Genetics (formerly Invitae), Labcorp
Classification: Likely pathogenic. Last evaluated: 2024-04-25. Review status: criteria provided, single submitter. Criteria: Invitae Variant Classification Sherloc (09022015). Collection method: clinical testing. Allele origin: germline.
Comment: This sequence change affects an acceptor splice site in intron 25 of the ATR gene. It is expected to disrupt RNA splicing. Variants that disrupt the donor or acceptor splice site typically lead to a loss of protein function (PMID: 16199547), and loss-of-function variants in ATR are known to be pathogenic (PMID: 21228398, 23144622). This variant is present in population databases (no rsID available, gnomAD 0.003%). This variant has not been reported in the literature in individuals affected with ATR-related conditions. ClinVar contains an entry for this variant (Variation ID: 1475304). Algorithms developed to predict the effect of sequence changes on RNA splicing suggest that this variant may disrupt the consensus splice site. In summary, the currently available evidence indicates that the variant is pathogenic, but additional data are needed to prove that conclusively. Therefore, this variant has been classified as Likely Pathogenic.

Literature cited by the submitters: PubMed 16199547; PubMed 21228398; PubMed 23144622.

NM_001184.4(ATR):c.4504-1G>C

Gene: ATR (ATR checkpoint kinase; minus strand). Cytogenetic location: 3q23.
Variant type: single nucleotide variant.
Coding change: c.4504-1G>C on transcript NM_001184.4 (MANE Select); the canonical splice acceptor site of the intron before coding-DNA position 4504, G replaced by C.
Molecular consequence: splice acceptor variant.
Genome position (GRCh38, 1-based): chr3:142,513,639, C>G on the plus strand (G>C on the coding strand, the complement: ATR is on the minus strand). VCF-style: chr3-142513639-C-G. GRCh37 (hg19) VCF-style: chr3-142232481-C-G.
Other names: c.4312-1G>C (NM_001354579.2).
Identifiers: ClinVar variation 1475304 (VCV001475304.6), dbSNP rs910635641, ClinGen allele CA84719290.